The following is an entry in ClinVar:

ClinVar aggregate classification (germline): Uncertain significance (1 of 4 stars; one submission).

Allele frequency attached by ClinVar (database versions not stated): gnomAD exomes below 0.00001; TOPMed below 0.00001.
gnomAD v4.1: 2 of 1,613,762 alleles (0.00012%); highest among the groups gnomAD compares: East Asian, 0.0022%; no homozygotes.

Submission:

Labcorp Genetics (formerly Invitae), Labcorp
Classification: Uncertain significance. Last evaluated: 2025-04-07. Review status: criteria provided, single submitter. Criteria: Invitae Variant Classification Sherloc (09022015). Collection method: clinical testing. Allele origin: germline.
Comment: This sequence change replaces leucine, which is neutral and non-polar, with valine, which is neutral and non-polar, at codon 1098 of the AP3D1 protein (p.Leu1098Val). This variant is present in population databases (no rsID available, gnomAD 0.006%). This variant has not been reported in the literature in individuals affected with AP3D1-related conditions. ClinVar contains an entry for this variant (Variation ID: 1424927). An algorithm developed to predict the effect of missense changes on protein structure and function (PolyPhen-2) suggests that this variant is likely to be tolerated. In summary, the available evidence is currently insufficient to determine the role of this variant in disease. Therefore, it has been classified as a Variant of Uncertain Significance.

NM_001261826.3(AP3D1):c.3292C>G (p.Leu1098Val)

Gene: AP3D1 (adaptor related protein complex 3 subunit delta 1; minus strand). Cytogenetic location: 19p13.3.
Variant type: single nucleotide variant.
Coding change: c.3292C>G on transcript NM_001261826.3 (MANE Select); coding-DNA position 3292, C replaced by G.
Protein change: p.Leu1098Val; replaces leucine 1098 with valine.
Molecular consequence: missense variant.
Genome position (GRCh38, 1-based): chr19:2,109,931, G>C on the plus strand (C>G on the coding strand, the complement: AP3D1 is on the minus strand). VCF-style: chr19-2109931-G-C. GRCh37 (hg19) VCF-style: chr19-2109930-G-C.
Other names: c.3256C>G, p.Leu1086Val (NM_001374799.1); c.3106C>G, p.Leu1036Val (NM_003938.8); short protein forms L1036V, L1086V, L1098V.
Identifiers: ClinVar variation 1424927 (VCV001424927.6), dbSNP rs1258365913, ClinGen allele CA403201213.